The following is an entry in ClinVar:

NM_001365951.3(KIF1B):c.2317C>G (p.Leu773Val)

Gene: KIF1B (kinesin family member 1B; plus strand). Cytogenetic location: 1p36.22.
Variant type: single nucleotide variant.
Coding change: c.2317C>G on transcript NM_001365951.3 (MANE Select); coding-DNA position 2317, C replaced by G.
Protein change: p.Leu773Val; replaces leucine 773 with valine.
Molecular consequence: missense variant.
Genome position (GRCh38, 1-based): chr1:10,321,816, C>G. VCF-style: chr1-10321816-C-G. GRCh37 (hg19) VCF-style: chr1-10381874-C-G.
Other names: c.2317C>G, p.Leu773Val (NM_001365952.1); c.2179C>G, p.Leu727Val (NM_015074.3); short protein forms L727V, L773V.
Identifiers: ClinVar variation 2624242 (VCV002624242.3), dbSNP rs1651534609, ClinGen allele CA338333099.

ClinVar aggregate classification (germline): Uncertain significance (1 of 4 stars; one submission).

Allele frequency attached by ClinVar (database versions not stated): TOPMed below 0.00001.

Submission:

Ambry Genetics
Classification: Uncertain significance. Last evaluated: 2025-11-10. Review status: criteria provided, single submitter. Criteria: Ambry Variant Classification Scheme 2023. Collection method: clinical testing. Allele origin: germline.
Comment: The p.L727V variant (also known as c.2179C>G), located in coding exon 21 of the KIF1B gene, results from a C to G substitution at nucleotide position 2179. The leucine at codon 727 is replaced by valine, an amino acid with highly similar properties. This amino acid position is conserved. In addition, the in silico prediction for this alteration is inconclusive. Since supporting evidence is limited at this time, the clinical significance of this alteration remains unclear.